The following is an entry in ClinVar:

ClinVar aggregate classification (germline): Uncertain significance (1 of 4 stars; one submission).

Conditions:
Baller-Gerold syndrome (BGS). Also called: CRANIOSYNOSTOSIS WITH RADIAL DEFECTS. Identifiers: Orphanet 1225, MedGen C0265308, MONDO:0009039, OMIM 218600.

Submission:

Labcorp Genetics (formerly Invitae), Labcorp
Classification: Uncertain significance for Baller-Gerold syndrome. Last evaluated: 2024-03-06. Review status: criteria provided, single submitter. Criteria: Invitae Variant Classification Sherloc (09022015). Collection method: clinical testing. Allele origin: germline.
Comment: This variant, c.2571_2576del, is a complex sequence change that results in the deletion of 2 and insertion of 1 amino acid(s) in the RECQL4 protein (p.Cys857_Arg859delinsTrp). This variant is not present in population databases (gnomAD no frequency). This variant has not been reported in the literature in individuals affected with RECQL4-related conditions. ClinVar contains an entry for this variant (Variation ID: 2123056). Experimental studies and prediction algorithms are not available or were not evaluated, and the functional significance of this variant is currently unknown. In summary, the available evidence is currently insufficient to determine the role of this variant in disease. Therefore, it has been classified as a Variant of Uncertain Significance.

NM_004260.4(RECQL4):c.2571_2576del (p.Cys857_Arg859delinsTrp)

Gene: RECQL4 (RecQ like helicase 4; minus strand). Cytogenetic location: 8q24.3.
Variant type: Deletion.
Coding change: c.2571_2576del on transcript NM_004260.4 (MANE Select); coding-DNA positions 2571 to 2576, 6 bases deleted (CACCAG; older notation c.2571_2576delCACCAG).
Protein change: p.Cys857_Arg859delinsTrp.
Molecular consequence: inframe indel.
Genome position (GRCh38, 1-based): chr8:144,513,026-144,513,031, CTGGTG deleted on the plus strand (CACCAG on the coding strand, the reverse complement: RECQL4 is on the minus strand); deleting any 6 consecutive bases within chr8:144,513,026-144,513,032 gives the same sequence; the c. name uses the placement nearest the transcript's 3' end. VCF-style (leftmost placement, unchanged base first): chr8-144513025-CCTGGTG-C. GRCh37 (hg19) VCF-style: chr8-145738408-CCTGGTG-C.
Other names: c.1367_1372delGCACCA, p.Cys456_Arg458delinsTrp (NM_001413037.1); c.1301_1306delGCACCA, p.Cys434_Arg436delinsTrp (NM_001413038.1, NM_001413031.1); c.2540_2545delGCACCA, p.Cys847_Arg849delinsTrp (NM_001413039.1); c.1499_1504delGCACCA, p.Cys500_Arg502delinsTrp (NM_001413040.1, NM_001413021.1, NM_001413022.1 and 5 more transcripts); c.1433_1438delGCACCA, p.Cys478_Arg480delinsTrp (NM_001413041.1, NM_001413027.1, NM_001413030.1 and 1 more transcripts); c.1469_1474delGCACCA, p.Cys490_Arg492delinsTrp (NM_001413042.1); c.1103_1108delGCACCA, p.Cys368_Arg370delinsTrp (NM_001413043.1); c.2276_2281delGCACCA, p.Cys759_Arg761delinsTrp (NM_001413017.1); and 6 more.
Identifiers: ClinVar variation 2123056 (VCV002123056.4), dbSNP rs1827546544, ClinGen allele CA1120282496.
Genomic context (GRCh38, chr8:144,513,025, plus strand): 5'-AGGGGGGTACTTGGGCACAGGCCTCTCCCCACCCACGGCCCCTTCCTGCTCCGAGGGCGG[CCTGGTG>C]CAGGTGCAGGTGCAGGCTGGGAACACGCGCTGTACCAGCCTCTTCACAGCCAGGAAGTCC-3'